The following is an entry in ClinVar:

ClinVar aggregate classification (germline): Pathogenic (1 of 4 stars; one submission).

Conditions:
Familial cancer of breast. Also called: Hereditary breast cancer; BREAST CANCER, FAMILIAL; hereditary breast carcinoma. Identifiers: Orphanet 227535, MedGen C0346153, MONDO:0016419, OMIM 114480. Disease mechanism: loss of function.

Submission:

Myriad Genetics, Inc.
Classification: Pathogenic for Familial cancer of breast. Last evaluated: 2023-09-11. Review status: criteria provided, single submitter. Criteria: Myriad Autosomal Dominant, Autosomal Recessive and X-Linked Classification Criteria (2023). Collection method: clinical testing. Allele origin: unknown.
Comment: This variant is considered pathogenic. This variant creates a termination codon and is predicted to result in premature protein truncation.

NM_024675.4(PALB2):c.1815_1843del (p.Ser605_Phe606insTer)

Gene: PALB2 (partner and localizer of BRCA2; minus strand). Cytogenetic location: 16p12.2.
Variant type: Deletion.
Coding change: c.1815_1843del on transcript NM_024675.4 (MANE Select); coding-DNA positions 1815 to 1843, 29 bases deleted (TTTTCTCAGTATCACAGACTTTCAGTTAC).
Protein change: p.Ser605_Phe606insTer.
Molecular consequence: frameshift variant. On other transcripts: intron variant (1).
Genome position (GRCh38, 1-based): chr16:23,630,311-23,630,339, GTAACTGAAAGTCTGTGATACTGAGAAAA deleted on the plus strand (TTTTCTCAGTATCACAGACTTTCAGTTAC on the coding strand, the reverse complement: PALB2 is on the minus strand); deleting any 29 consecutive bases within chr16:23,630,311-23,630,340 gives the same sequence; the c. name uses the placement nearest the transcript's 3' end. VCF-style (leftmost placement, unchanged base first): chr16-23630310-GGTAACTGAAAGTCTGTGATACTGAGAAAA-G. GRCh37 (hg19) VCF-style: chr16-23641631-GGTAACTGAAAGTCTGTGATACTGAGAAAA-G.
Other names: c.1755_1783del, p.Ser585_Phe586insTer (NM_001407296.1); c.1815_1843del, p.Ser605_Phe606insTer (NM_001407297.1, NM_001407298.1, NM_001407299.1 and 3 more transcripts); c.930_958del, p.Ser310_Phe311insTer (NM_001407304.1, NM_001407305.1, NM_001407306.1 and 5 more transcripts); c.27_55del, p.Ser9_Phe10insTer (NM_001407312.1, NM_001407313.1); c.49-1064_49-1036del (NM_001407314.1).
Identifiers: ClinVar variation 2674148 (VCV002674148.1), dbSNP rs2506434258, ClinGen allele CA2695197521.